The following is an entry in ClinVar:

NM_002641.4(PIGA):c.407A>G (p.His136Arg)

Gene: PIGA (phosphatidylinositol glycan anchor biosynthesis class A; minus strand). Cytogenetic location: Xp22.2.
Variant type: single nucleotide variant.
Coding change: c.407A>G on transcript NM_002641.4 (MANE Select); coding-DNA position 407, A replaced by G.
Protein change: p.His136Arg; replaces histidine 136 with arginine.
Molecular consequence: missense variant. On other transcripts: intron variant (1).
Genome position (GRCh38, 1-based): chrX:15,331,524, T>C on the plus strand (A>G on the coding strand, the complement: PIGA is on the minus strand). VCF-style: chrX-15331524-T-C. GRCh37 (hg19) VCF-style: chrX-15349646-T-C.
Other names: c.13+3977A>G (NM_020473.3); short protein forms H136R.
Identifiers: ClinVar variation 664308 (VCV000664308.13), dbSNP rs1602212104, ClinGen allele CA412340155.
Genomic context (GRCh38, chrX:15,331,524, plus strand): 5'-AGGGAATGGTCCGTGAAGACTGTCTGAAGCCCCATTGTCTTGGCGTGGAAGAGAGCATCA[T>C]GGGCCATAGCAGAAAAAGAACTATGTGAATGGATTATCGTGACTCTCTCCCGAACAAATA-3'
Protein context (NP_002632.1, residues 126-146): HSHSSFSAMA[His136Arg]DALFHAKTMG

ClinVar aggregate classification (germline): Uncertain significance. Review status: criteria provided, multiple submitters, no conflicts (2 of 4 stars). 2 submissions from 2 submitters: Uncertain significance (2). Last evaluated 2019-05-03.

Conditions:
Inborn genetic diseases. Identifiers: MedGen C0950123, MeSH D030342.
Multiple congenital anomalies-hypotonia-seizures syndrome 2 (MCAHS2). Also called: GLYCOSYLPHOSPHATIDYLINOSITOL BIOSYNTHESIS DEFECT 4; EPILEPTIC ENCEPHALOPATHY, EARLY INFANTILE, 20. Identifiers: Orphanet 300496, MedGen C3275508, MONDO:0010466, OMIM 300868.

Submissions (2):

Labcorp Genetics (formerly Invitae), Labcorp
Classification: Uncertain significance for Multiple congenital anomalies-hypotonia-seizures syndrome 2. Last evaluated: 2019-05-03. Review status: criteria provided, single submitter. Criteria: Invitae Variant Classification Sherloc (09022015). Collection method: clinical testing. Allele origin: germline.
Comment: In summary, the available evidence is currently insufficient to determine the role of this variant in disease. Therefore, it has been classified as a Variant of Uncertain Significance. Algorithms developed to predict the effect of missense changes on protein structure and function are either unavailable or do not agree on the potential impact of this missense change (SIFT: "Deleterious"; PolyPhen-2: "Probably Damaging"; Align-GVGD: "Class C0"). This variant has not been reported in the literature in individuals with PIGA-related disease. This variant is not present in population databases (ExAC no frequency). This sequence change replaces histidine with arginine at codon 136 of the PIGA protein (p.His136Arg). The histidine residue is highly conserved and there is a small physicochemical difference between histidine and arginine.

Ambry Genetics
Classification: Uncertain significance for Inborn genetic diseases. Last evaluated: 2018-07-06. Review status: criteria provided, single submitter. Criteria: Ambry Variant Classification Scheme 2023. Collection method: clinical testing. Allele origin: germline.
Comment: The p.H136R variant (also known as c.407A>G), located in coding exon 1 of the PIGA gene, results from an A to G substitution at nucleotide position 407. The histidine at codon 136 is replaced by arginine, an amino acid with highly similar properties. This amino acid position is highly conserved in available vertebrate species. In addition, this alteration is predicted to be deleterious by in silico analysis. Since supporting evidence is limited at this time, the clinical significance of this alteration remains unclear.